The following is an entry in ClinVar:

ClinVar aggregate classification (germline): Uncertain significance (1 of 4 stars; one submission).

gnomAD v4.1: 1 of 1,614,082 alleles (0.000062%); highest among the groups gnomAD compares: African/African-American, 0.0013%; no homozygotes.

Submission:

Mayo Clinic Laboratories, Mayo Clinic
Classification: Uncertain significance. Last evaluated: 2024-09-30. Review status: criteria provided, single submitter. Criteria: ACMG Guidelines, 2015. Collection method: clinical testing. Allele origin: germline. Observed: 1 variant allele.
Comment: BP4, PM2_supporting

Literature cited by the submitters: PubMed 16523049.

NM_138694.4(PKHD1):c.12199C>A (p.Pro4067Thr)

Gene: PKHD1 (PKHD1 ciliary IPT domain containing fibrocystin/polyductin; minus strand). Cytogenetic location: 6p12.3.
Variant type: single nucleotide variant.
Coding change: c.12199C>A on transcript NM_138694.4 (MANE Select); coding-DNA position 12199, C replaced by A.
Protein change: p.Pro4067Thr; replaces proline 4067 with threonine.
Molecular consequence: missense variant.
Genome position (GRCh38, 1-based): chr6:51,619,107, G>T on the plus strand (C>A on the coding strand, the complement: PKHD1 is on the minus strand). VCF-style: chr6-51619107-G-T. GRCh37 (hg19) VCF-style: chr6-51483905-G-T.
Other names: p.Pro4067Thr; short protein forms P4067T.
Identifiers: ClinVar variation 4541165 (VCV004541165.1).